The following is an entry in ClinVar:

ClinVar aggregate classification (germline): Uncertain significance (1 of 4 stars; one submission).

Submission:

Ambry Genetics
Classification: Uncertain significance. Last evaluated: 2025-08-22. Review status: criteria provided, single submitter. Criteria: Ambry Variant Classification Scheme 2023. Collection method: clinical testing. Allele origin: germline.
Comment: The p.S145T variant (also known as c.433T>A), located in coding exon 1 of the MC1R gene, results from a T to A substitution at nucleotide position 433. The serine at codon 145 is replaced by threonine, an amino acid with similar properties. This amino acid position is conserved. In addition, this alteration is predicted to be tolerated by in silico analysis. Based on the available evidence, the clinical significance of this variant remains unclear.

NM_002386.4(MC1R):c.433T>A (p.Ser145Thr)

Gene: MC1R (melanocortin 1 receptor; plus strand). Cytogenetic location: 16q24.3.
Variant type: single nucleotide variant.
Coding change: c.433T>A on transcript NM_002386.4 (MANE Select); coding-DNA position 433, T replaced by A.
Protein change: p.Ser145Thr; replaces serine 145 with threonine.
Molecular consequence: missense variant.
Genome position (GRCh38, 1-based): chr16:89,919,691, T>A. VCF-style: chr16-89919691-T-A. GRCh37 (hg19) VCF-style: chr16-89986099-T-A.
Other names: short protein forms S145T.
Identifiers: ClinVar variation 4104876 (VCV004104876.1).